The following is an entry in ClinVar:

ClinVar aggregate classification (germline): Benign/Likely benign. Review status: criteria provided, multiple submitters, no conflicts (2 of 4 stars). 3 submissions from 3 submitters: Benign (1); Likely benign (2). Last evaluated 2026-03-01.

Conditions:
Inborn genetic diseases. Identifiers: MedGen C0950123, MeSH D030342.
Autosomal dominant Parkinson disease 8. Also called: Parkinson disease 8, susceptibility to; LRRK2-Related Parkinson Disease; Parkinson disease 8. Identifiers: Orphanet 411602, MedGen C1846862, MONDO:0011764, OMIM 607060.

Allele frequency attached by ClinVar (database versions not stated): gnomAD 0.00001 and 0.00004; gnomAD exomes 0.00003 and 0.00016; TOPMed 0.00005; ExAC 0.00015; 1000 Genomes Project 30x 0.00031; 1000 Genomes Project 0.00040.
gnomAD v4.1: 52 of 1,612,466 alleles (0.0032%); highest among the groups gnomAD compares: East Asian, 0.1%; 1 homozygote.

Submissions (4):

CeGaT Center for Human Genetics Tuebingen
Classification: Likely benign. Last evaluated: 2026-03-01. Review status: criteria provided, single submitter. Criteria: CeGaT Center For Human Genetics Tuebingen Variant Classification Criteria Version 2. Collection method: clinical testing. Allele origin: germline. Affected: yes. Observed: 1 variant allele.
Comment: LRRK2: BP4, BP7

Labcorp Genetics (formerly Invitae), Labcorp
Classification: Benign for Autosomal dominant Parkinson disease 8. Last evaluated: 2025-07-02. Review status: criteria provided, single submitter. Criteria: Invitae Variant Classification Sherloc (09022015). Collection method: clinical testing. Allele origin: germline.

Ambry Genetics
Classification: Likely benign for Inborn genetic diseases. Last evaluated: 2022-02-13. Review status: criteria provided, single submitter. Criteria: Ambry Variant Classification Scheme 2023. Collection method: clinical testing. Allele origin: germline.

Dr. Peter K. Rogan Lab, Western University
No classification provided (evidence only). Condition: Cervical cancer. Review status: no classification provided. Collection method: in vitro. Allele origin: not applicable. Functional consequence: retained intron. Not counted in ClinVar's aggregate classification.

NM_198578.4(LRRK2):c.4611G>A (p.Glu1537=)

Gene: LRRK2 (leucine rich repeat kinase 2; plus strand). Cytogenetic location: 12q12.
Variant type: single nucleotide variant.
Coding change: c.4611G>A on transcript NM_198578.4 (MANE Select); coding-DNA position 4611, G replaced by A.
Protein change: p.Glu1537=; no amino-acid change (glutamic acid 1537 retained).
Molecular consequence: synonymous variant.
Genome position (GRCh38, 1-based): chr12:40,314,046, G>A. VCF-style: chr12-40314046-G-A. GRCh37 (hg19) VCF-style: chr12-40707848-G-A.
Identifiers: ClinVar variation 735024 (VCV000735024.17), dbSNP rs575429866, ClinGen allele CA6514229.